The following is an entry in ClinVar:

ClinVar aggregate classification (germline): Likely pathogenic (1 of 4 stars; one submission).

Conditions:
Familial hypokalemia-hypomagnesemia (GTLMNS). Also called: HYPOMAGNESEMIA-HYPOKALEMIA, PRIMARY RENOTUBULAR, WITH HYPOCALCIURIA; POTASSIUM AND MAGNESIUM DEPLETION; gitelman syndrome. Identifiers: Orphanet 358, MedGen C0268450, MONDO:0009904, OMIM 263800.

Allele frequency attached by ClinVar (database versions not stated): gnomAD 0.00001; TOPMed 0.00003.
gnomAD v4.1: 2 of 152,034 alleles (0.0013%); highest among the groups gnomAD compares: Non-Finnish European, 0.0029%; no homozygotes.

Submission:

European Hospital Georges Pompidou Genetics Department, Assistance Publique - Hôpitaux de Paris AP-HP
Classification: Likely pathogenic for Familial hypokalemia-hypomagnesemia. Last evaluated: 2022-04-27. Review status: criteria provided, single submitter. Criteria: ACMG Guidelines, 2015. Collection method: clinical testing, in vitro. Allele origin: germline. Affected: yes.
Comment: ACMG criteria used:PS3 PM2 PP3

NM_001126108.2(SLC12A3):c.852+243C>T

Gene: SLC12A3 (solute carrier family 12 member 3; plus strand). Cytogenetic location: 16q13.
Variant type: single nucleotide variant.
Coding change: c.852+243C>T on transcript NM_001126108.2 (MANE Select); 243 bases into the intron after coding-DNA position 852, C replaced by T.
Molecular consequence: intron variant.
Genome position (GRCh38, 1-based): chr16:56,870,979, C>T. VCF-style: chr16-56870979-C-T. GRCh37 (hg19) VCF-style: chr16-56904891-C-T.
Other names: c.852+243C>T (NM_000339.3); c.849+243C>T (NM_001126107.2).
Identifiers: ClinVar variation 1684176 (VCV001684176.2), dbSNP rs1384167696, ClinGen allele CA722005958.